The following is an entry in ClinVar:

ClinVar aggregate classification (germline): Uncertain significance (1 of 4 stars; one submission).

Submission:

GeneDx
Classification: Uncertain significance. Last evaluated: 2024-09-16. Review status: criteria provided, single submitter. Criteria: GeneDx Variant Classification Process June 2021. Collection method: clinical testing. Allele origin: germline. Affected: yes.
Comment: Not observed at significant frequency in large population cohorts (gnomAD); In silico analysis indicates that this missense variant does not alter protein structure/function; Has not been previously published as pathogenic or benign to our knowledge; This variant is associated with the following publications: (PMID: 19006240, 18767143)

NM_001999.4(FBN2):c.1390G>T (p.Gly464Cys)

Gene: FBN2 (fibrillin 2; minus strand). Cytogenetic location: 5q23.3.
Variant type: single nucleotide variant.
Coding change: c.1390G>T on transcript NM_001999.4 (MANE Select); coding-DNA position 1390, G replaced by T.
Protein change: p.Gly464Cys; replaces glycine 464 with cysteine.
Molecular consequence: missense variant.
Genome position (GRCh38, 1-based): chr5:128,393,210, C>A on the plus strand (G>T on the coding strand, the complement: FBN2 is on the minus strand). VCF-style: chr5-128393210-C-A. GRCh37 (hg19) VCF-style: chr5-127728903-C-A.
Other names: short protein forms G464C.
Identifiers: ClinVar variation 3769767 (VCV003769767.1).